The following is an entry in ClinVar:

NM_000059.4(BRCA2):c.8724del (p.Lys2909fs)

Gene: BRCA2 (BRCA2 DNA repair associated; plus strand). Cytogenetic location: 13q13.1.
Variant type: Deletion.
Coding change: c.8724del on transcript NM_000059.4 (MANE Select); coding-DNA position 8724, one base deleted (G; older notation c.8724delG).
Protein change: p.Lys2909fs; shifts the reading frame from lysine 2909.
Molecular consequence: frameshift variant.
Genome position (GRCh38, 1-based): chr13:32,376,761, G deleted. VCF-style (leftmost placement, unchanged base first): chr13-32376760-TG-T. GRCh37 (hg19) VCF-style: chr13-32950897-TG-T.
Other names: c.8724delG (NM_000059.4, NM_000059.3).
Identifiers: ClinVar variation 481520 (VCV000481520.12), dbSNP rs1555288172, ClinGen allele CA658656394.
Genomic context (GRCh38, chr13:32,376,760, plus strand): 5'-GTGCACTAACAAGACAGCAAGTTCGTGCTTTGCAAGATGGTGCAGAGCTTTATGAAGCAG[TG>T]AAGAATGCAGCAGACCCAGCTTACCTTGAGGTGAGAGAGTAAGAGGACATATAATGAGGC-3'

ClinVar aggregate classification (germline): Pathogenic/Likely pathogenic. Review status: criteria provided, multiple submitters, no conflicts (2 of 4 stars). 4 submissions from 4 submitters: Pathogenic (3); Likely pathogenic (1). Last evaluated 2026-06-02.

Conditions:
Hereditary cancer-predisposing syndrome. Also called: Tumor predisposition; Hereditary neoplastic syndrome; Neoplastic Syndromes, Hereditary; Hereditary Cancer Syndrome. Identifiers: Orphanet 140162, MedGen C0027672, MeSH D009386, MONDO:0015356.
Hereditary breast ovarian cancer syndrome. Also called: BRCA1- and BRCA2-Associated Hereditary Breast and Ovarian Cancer; Hereditary breast and/or ovarian cancer syndrome; Hereditary breast and ovarian cancer; Hereditary breast and ovarian cancer syndrome (HBOC); Breast and ovarian cancer; Hereditary breast and ovarian cancer syndrome. Identifiers: Orphanet 145, MedGen C0677776, MeSH D061325, MONDO:0003582. Disease mechanism: loss of function.

Submissions (4):

Ambry Genetics
Classification: Pathogenic for Hereditary cancer-predisposing syndrome. Last evaluated: 2026-06-02. Review status: criteria provided, single submitter. Criteria: Ambry Variant Classification Scheme 2023. Collection method: clinical testing. Allele origin: germline.
Comment: The c.8724delG pathogenic mutation, located in coding exon 20 of the BRCA2 gene, results from a deletion of one nucleotide at nucleotide position 8724, causing a translational frameshift with a predicted alternate stop codon (p.K2909Rfs*18). This variant is considered to be rare based on population cohorts in the Genome Aggregation Database (gnomAD). This alteration is expected to result in loss of function by premature protein truncation or nonsense-mediated mRNA decay. As such, this alteration is interpreted as a disease-causing mutation.

Women's Health and Genetics/Laboratory Corporation of America, LabCorp
Classification: Pathogenic for Hereditary breast ovarian cancer syndrome. Last evaluated: 2024-04-22. Review status: criteria provided, single submitter. Criteria: LabCorp Variant Classification Summary - May 2015. Collection method: clinical testing. Allele origin: germline.
Comment: Variant summary: BRCA2 c.8724delG (p.Lys2909ArgfsX18) results in a premature termination codon, predicted to cause a truncation of the encoded protein or absence of the protein due to nonsense mediated decay, which are commonly known mechanisms for disease. The variant was absent in 251276 control chromosomes. To our knowledge, no occurrence of c.8724delG in individuals affected with Hereditary Breast And Ovarian Cancer Syndrome and no experimental evidence demonstrating its impact on protein function have been reported. ClinVar contains an entry for this variant (Variation ID: 481520). Based on the evidence outlined above, the variant was classified as pathogenic.

Quest Diagnostics Nichols Institute San Juan Capistrano
Classification: Likely pathogenic. Last evaluated: 2023-10-12. Review status: criteria provided, single submitter. Criteria: Quest Diagnostics criteria. Collection method: clinical testing. Allele origin: unknown.
Comment: The BRCA2 c.8724del (p.Lys2909Argfs*18) variant alters the translational reading frame of the BRCA2 mRNA and is predicted to cause the premature termination of BRCA2 protein synthesis. This variant has not been reported in individuals with BRCA2-related conditions in the published literature. This variant has not been reported in large, multi-ethnic general populations (Genome Aggregation Database). Based on the available information, this variant is classified as likely pathogenic.

Color Diagnostics, LLC DBA Color Health
Classification: Pathogenic for Hereditary cancer-predisposing syndrome. Last evaluated: 2020-07-22. Review status: criteria provided, single submitter. Criteria: ACMG Guidelines, 2015. Collection method: clinical testing. Allele origin: germline.
Comment: This variant deletes 1 nucleotide in exon 21 of the BRCA2 gene, creating a frameshift and premature translation stop signal. This variant is expected to result in an absent or non-functional protein product. To our knowledge, this variant has not been reported in individuals affected with hereditary cancer in the literature. This variant has not been identified in the general population by the Genome Aggregation Database (gnomAD). Loss of BRCA2 function is a known mechanism of disease. Based on the available evidence, this variant is classified as Pathogenic.